The following is an entry in ClinVar:

ClinVar aggregate classification (germline): Uncertain significance (1 of 4 stars; one submission).

Conditions:
Autosomal dominant childhood-onset proximal spinal muscular atrophy with contractures (SMALED2A). Also called: SPINAL MUSCULAR ATROPHY, LOWER EXTREMITY-PREDOMINANT, 2A, CHILDHOOD ONSET, AUTOSOMAL DOMINANT; Spinal muscular atrophy, lower extremity-predominant, 2A, autosomal dominant. Identifiers: Orphanet 363447, Orphanet 363454, MedGen C4747715, MONDO:0014121, OMIM 615290.

Submission:

Institute of Human Genetics, University of Leipzig Medical Center
Classification: Uncertain significance for Autosomal dominant childhood-onset proximal spinal muscular atrophy with contractures. Last evaluated: 2023-08-11. Review status: criteria provided, single submitter. Criteria: ACMG Guidelines, 2015. Collection method: clinical testing. Allele origin: paternal. Inheritance: Autosomal dominant inheritance. Affected: yes.
Comment: Criteria applied: PM1_SUP,PM2_SUP,PP3

NM_001003800.2(BICD2):c.2132T>C (p.Leu711Pro)

Gene: BICD2 (BICD cargo adaptor 2; minus strand). Cytogenetic location: 9q22.31.
Variant type: single nucleotide variant.
Coding change: c.2132T>C on transcript NM_001003800.2 (MANE Select); coding-DNA position 2132, T replaced by C.
Protein change: p.Leu711Pro; replaces leucine 711 with proline.
Molecular consequence: missense variant.
Genome position (GRCh38, 1-based): chr9:92,717,923, A>G on the plus strand (T>C on the coding strand, the complement: BICD2 is on the minus strand). VCF-style: chr9-92717923-A-G. GRCh37 (hg19) VCF-style: chr9-95480205-A-G.
Other names: c.2132T>C, p.Leu711Pro (NM_015250.4); short protein forms L711P.
Identifiers: ClinVar variation 2578434 (VCV002578434.3), dbSNP rs2490440488, ClinGen allele CA374033160.